The following is an entry in ClinVar:

ClinVar aggregate classification (germline): Pathogenic (1 of 4 stars; one submission).

Submission:

Labcorp Genetics (formerly Invitae), Labcorp
Classification: Pathogenic. Last evaluated: 2024-08-31. Review status: criteria provided, single submitter. Criteria: Invitae Variant Classification Sherloc (09022015). Collection method: clinical testing. Allele origin: germline.
Comment: This sequence change creates a premature translational stop signal (p.Thr3817Cysfs*20) in the USH2A gene. It is expected to result in an absent or disrupted protein product. Loss-of-function variants in USH2A are known to be pathogenic (PMID: 10729113, 10909849, 20507924, 25649381). This variant is not present in population databases (gnomAD no frequency). This variant has not been reported in the literature in individuals affected with USH2A-related conditions. For these reasons, this variant has been classified as Pathogenic.

Literature cited by the submitters: PubMed 10729113; PubMed 10909849; PubMed 20507924; PubMed 25649381.

NM_206933.4(USH2A):c.11448_11449insTGTGT (p.Thr3817fs)

Gene: USH2A (usherin; minus strand). Cytogenetic location: 1q41.
Variant type: Insertion.
Coding change: c.11448_11449insTGTGT on transcript NM_206933.4 (MANE Select); coding-DNA positions 11448 to 11449, TGTGT inserted.
Protein change: p.Thr3817fs; shifts the reading frame from threonine 3817.
Molecular consequence: frameshift variant.
Genome position: GRCh38 VCF-style: chr1-215743276-T-TACACA. GRCh37 (hg19) VCF-style: chr1-215916618-T-TACACA.
Other names: short protein forms T3817fs.
Identifiers: ClinVar variation 3662938 (VCV003662938.2).